The following is an entry in ClinVar:

ClinVar aggregate classification (germline): Uncertain significance (1 of 4 stars; one submission).

Conditions:
Brugada syndrome. Also called: Sudden unexpected nocturnal death syndrome; Sudden unexplained nocturnal death syndrome; Sudden Unexplained Death Syndrome; Sudden Unexplained Nocturnal Death Syndrome (SUNDS). Identifiers: Orphanet 130, MedGen C1142166, MONDO:0015263.

Submission:

Labcorp Genetics (formerly Invitae), Labcorp
Classification: Uncertain significance for Brugada syndrome. Last evaluated: 2025-10-25. Review status: criteria provided, single submitter. Criteria: Invitae Variant Classification Sherloc (09022015). Collection method: clinical testing. Allele origin: germline.
Comment: This sequence change replaces leucine, which is neutral and non-polar, with valine, which is neutral and non-polar, at codon 459 of the SLMAP protein (p.Leu459Val). This variant is not present in population databases (gnomAD no frequency). This variant has not been reported in the literature in individuals affected with SLMAP-related conditions. An algorithm developed to predict the effect of missense changes on protein structure and function (PolyPhen-2) suggests that this variant is likely to be tolerated. In summary, the available evidence is currently insufficient to determine the role of this variant in disease. Therefore, it has been classified as a Variant of Uncertain Significance.

NM_001377540.1(SLMAP):c.1477C>G (p.Leu493Val)

Gene: SLMAP (sarcolemma associated protein; plus strand). Cytogenetic location: 3p14.3.
Variant type: single nucleotide variant.
Coding change: c.1477C>G on transcript NM_001377540.1 (MANE Select); coding-DNA position 1477, C replaced by G.
Protein change: p.Leu493Val; replaces leucine 493 with valine.
Molecular consequence: missense variant. On other transcripts: non-coding transcript variant (1).
Genome position (GRCh38, 1-based): chr3:57,896,908, C>G. VCF-style: chr3-57896908-C-G. GRCh37 (hg19) VCF-style: chr3-57882635-C-G.
Other names: c.1426C>G, p.Leu476Val (NM_001304420.3, NM_001377541.1, NM_001377542.1 and 2 more transcripts); c.1312C>G, p.Leu438Val (NM_001304421.2, NM_001377557.1, NM_001377559.1 and 1 more transcripts); c.28C>G, p.Leu10Val (NM_001304422.3, NM_001304423.3, NM_001311178.2 and 4 more transcripts); c.1477C>G, p.Leu493Val (NM_001377538.1, NM_001377539.1, NM_001377555.1); c.1414C>G, p.Leu472Val (NM_001377545.1, NM_001377922.1); c.1375C>G, p.Leu459Val (NM_001377549.1, NM_001377923.1, NM_007159.5); c.1363C>G, p.Leu455Val (NM_001377551.1, NM_001377552.1, NM_001377924.1); short protein forms L10V, L459V, L493V, L472V, L438V, L455V, L476V.
Identifiers: ClinVar variation 4729828 (VCV004729828.1).